The following is an entry in ClinVar:

ClinVar aggregate classification (germline): Uncertain significance (1 of 4 stars; one submission).

Conditions:
MAMLD1-related disorder. Also called: MAMLD1-related condition.

gnomAD v4.1: 3 of 1,156,244 alleles (0.00026%); highest among the groups gnomAD compares: Middle Eastern, 0.046%; no homozygotes.

Submission:

PreventionGenetics, part of Exact Sciences
Classification: Uncertain significance for MAMLD1-related condition. Last evaluated: 2025-04-26. Review status: criteria provided, single submitter. Criteria: ACMG Guidelines, 2015. Collection method: clinical testing. Allele origin: germline.
Comment: The MAMLD1 c.2420A>G variant is predicted to result in the amino acid substitution p.Gln807Arg. To our knowledge, this variant has not been reported in the literature or in a large population database (gnomAD). At this time, the clinical significance of this variant is uncertain due to the absence of conclusive functional and genetic evidence.

NM_005491.5(MAMLD1):c.*537A>G

Gene: MAMLD1 (mastermind like domain containing 1; plus strand). Cytogenetic location: Xq28.
Variant type: single nucleotide variant.
Coding change: c.*537A>G on transcript NM_005491.5 (MANE Select); 537 bases downstream of the stop codon, A replaced by G.
Molecular consequence: 3 prime UTR variant. On other transcripts: missense variant (2).
Genome position (GRCh38, 1-based): chrX:150,512,496, A>G. VCF-style: chrX-150512496-A-G. GRCh37 (hg19) VCF-style: chrX-149680766-A-G.
Other names: c.2420A>G, p.Gln807Arg (NM_001177465.3); c.*537A>G (NM_001177466.3, NM_001400513.1, NM_001400514.1 and 1 more transcripts); c.2495A>G, p.Gln832Arg (NM_001400512.1); short protein forms Q807R, Q832R.
Identifiers: ClinVar variation 4985753 (VCV004985753.1).